The following is an entry in ClinVar:

ClinVar aggregate classification (germline): Pathogenic (1 of 4 stars; one submission).

Conditions:
Charcot-Marie-Tooth disease type 2. Also called: Charcot-Marie-Tooth type 2. Identifiers: Orphanet 64746, MedGen C0270914, MONDO:0018993.

Submission:

Labcorp Genetics (formerly Invitae), Labcorp
Classification: Pathogenic for Charcot-Marie-Tooth disease type 2. Last evaluated: 2025-10-17. Review status: criteria provided, single submitter. Criteria: Invitae Variant Classification Sherloc (09022015). Collection method: clinical testing. Allele origin: germline.
Comment: This sequence change creates a premature translational stop signal (p.Met717*) in the MFN2 gene. It is expected to result in an absent or disrupted protein product. Loss-of-function variants in MFN2 are known to be pathogenic (PMID: 16714318, 16835246, 21715711, 23781337, 26955893). This variant is not present in population databases (gnomAD no frequency). This variant has not been reported in the literature in individuals affected with MFN2-related conditions. For these reasons, this variant has been classified as Pathogenic.

Literature cited by the submitters: PubMed 16714318; PubMed 16835246; PubMed 21715711; PubMed 23781337; PubMed 26955893.

NM_014874.4(MFN2):c.2148del (p.Ala716_Met717insTer)

Gene: MFN2 (mitofusin 2; plus strand). Cytogenetic location: 1p36.22.
Variant type: Deletion.
Coding change: c.2148del on transcript NM_014874.4 (MANE Select); coding-DNA position 2148, one base deleted (C; older notation c.2148delC).
Protein change: p.Ala716_Met717insTer.
Molecular consequence: frameshift variant.
Genome position (GRCh38, 1-based): chr1:12,009,670, C deleted; the last of 2 consecutive C bases (chr1:12,009,669-12,009,670); deleting either gives the same sequence. VCF-style (leftmost placement, unchanged base first): chr1-12009668-GC-G. GRCh37 (hg19) VCF-style: chr1-12069725-GC-G.
Other names: c.2148del, p.Ala716_Met717insTer (NM_001127660.2).
Identifiers: ClinVar variation 4729402 (VCV004729402.1).